The following is an entry in ClinVar:

NM_005720.4(ARPC1B):c.1057G>A (p.Gly353Ser)

Gene: ARPC1B (actin related protein 2/3 complex subunit 1B; plus strand). Cytogenetic location: 7q22.1.
Variant type: single nucleotide variant.
Coding change: c.1057G>A on transcript NM_005720.4 (MANE Select); coding-DNA position 1057, G replaced by A.
Protein change: p.Gly353Ser; replaces glycine 353 with serine.
Molecular consequence: missense variant.
Genome position (GRCh38, 1-based): chr7:99,394,096, G>A. VCF-style: chr7-99394096-G-A. GRCh37 (hg19) VCF-style: chr7-98991719-G-A.
Other names: short protein forms G353S.
Identifiers: ClinVar variation 4700006 (VCV004700006.1).
Genomic context (GRCh38, chr7:99,394,096, plus strand): 5'-TCGGTGCTCAGCGGCGGCAAGGCCAAGTGCTCGCAGTTCTGCACCACTGGCATGGATGGC[G>A]GCATGAGTATCTGGGATGTGAAGGTGAGGCTTGCCCCTCCTGGCTTCCCGCCATGCCTCC-3'
Protein context (NP_005711.1, residues 343-363): SQFCTTGMDG[Gly353Ser]MSIWDVKSLE

ClinVar aggregate classification (germline): Uncertain significance (1 of 4 stars; one submission).

gnomAD v4.1: 18 of 1,613,638 alleles (0.0011%); highest among the groups gnomAD compares: Middle Eastern, 0.033%; 1 homozygote.

Submission:

Labcorp Genetics (formerly Invitae), Labcorp
Classification: Uncertain significance. Last evaluated: 2025-10-22. Review status: criteria provided, single submitter. Criteria: Invitae Variant Classification Sherloc (09022015). Collection method: clinical testing. Allele origin: germline.
Comment: This sequence change replaces glycine, which is neutral and non-polar, with serine, which is neutral and polar, at codon 353 of the ARPC1B protein (p.Gly353Ser). This variant is present in population databases (no rsID available, gnomAD 0.01%). This variant has not been reported in the literature in individuals affected with ARPC1B-related conditions. Invitae Evidence Modeling of protein sequence and biophysical properties (such as structural, functional, and spatial information, amino acid conservation, physicochemical variation, residue mobility, and thermodynamic stability) indicates that this missense variant is not expected to disrupt ARPC1B protein function with a negative predictive value of 80%. In summary, the available evidence is currently insufficient to determine the role of this variant in disease. Therefore, it has been classified as a Variant of Uncertain Significance.